The following is an entry in ClinVar:

ClinVar aggregate classification (germline): Uncertain significance. Review status: criteria provided, multiple submitters, no conflicts (2 of 4 stars). 3 submissions from 3 submitters: Uncertain significance (3). Last evaluated 2024-04-15.

Conditions:
Hereditary cancer-predisposing syndrome. Also called: Hereditary neoplastic syndrome; Neoplastic Syndromes, Hereditary; Tumor predisposition; Hereditary Cancer Syndrome. Identifiers: Orphanet 140162, MedGen C0027672, MeSH D009386, MONDO:0015356.
Intellectual disability, autosomal dominant 16 (CSS4). Also called: COFFIN-SIRIS SYNDROME 4. Identifiers: Orphanet 1465, MedGen C3553249, MONDO:0013821, OMIM 614609.
Rhabdoid tumor predisposition syndrome 2 (RTPS2). Identifiers: Orphanet 231108, Orphanet 69077, MedGen C2750074, MONDO:0013224, OMIM 613325.

Allele frequency attached by ClinVar (database versions not stated): gnomAD exomes below 0.00001.
gnomAD v4.1: 1 of 1,613,894 alleles (0.000062%); highest among the groups gnomAD compares: Non-Finnish European, 0.000085%; no homozygotes.

Submissions (3):

Labcorp Genetics (formerly Invitae), Labcorp
Classification: Uncertain significance for Rhabdoid tumor predisposition syndrome 2. Last evaluated: 2024-04-15. Review status: criteria provided, single submitter. Criteria: Invitae Variant Classification Sherloc (09022015). Collection method: clinical testing. Allele origin: germline.
Comment: This sequence change replaces glutamic acid, which is acidic and polar, with lysine, which is basic and polar, at codon 1619 of the SMARCA4 protein (p.Glu1619Lys). This variant is not present in population databases (gnomAD no frequency). This variant has not been reported in the literature in individuals affected with SMARCA4-related conditions. ClinVar contains an entry for this variant (Variation ID: 565674). Advanced modeling of protein sequence and biophysical properties (such as structural, functional, and spatial information, amino acid conservation, physicochemical variation, residue mobility, and thermodynamic stability) performed at Invitae indicates that this missense variant is not expected to disrupt SMARCA4 protein function with a negative predictive value of 95%. In summary, the available evidence is currently insufficient to determine the role of this variant in disease. Therefore, it has been classified as a Variant of Uncertain Significance.

Ambry Genetics
Classification: Uncertain significance for Hereditary cancer-predisposing syndrome. Last evaluated: 2024-01-16. Review status: criteria provided, single submitter. Criteria: Ambry Variant Classification Scheme 2023. Collection method: clinical testing. Allele origin: germline.
Comment: The p.E1619K variant (also known as c.4855G>A), located in coding exon 33 of the SMARCA4 gene, results from a G to A substitution at nucleotide position 4855. The glutamic acid at codon 1619 is replaced by lysine, an amino acid with similar properties. This amino acid position is highly conserved in available vertebrate species. In addition, the in silico prediction for this alteration is inconclusive. Missense and in-frame variants in SMARCA4 are known to cause neurodevelopmental disorders; however, such associations with rhabdoid tumor predisposition syndrome including small cell carcinoma of the ovary-hypercalcemic type (SCCOHT) are exceedingly rare (Kosho T et al. Am J Med Genet C Semin Med Genet. 2014 Sep;166C(3):262-75; Jelinic P et al. Nat Genet. 2014 May;46(5):424-6). Since supporting evidence is limited at this time, the clinical significance of this alteration remains unclear.

Genome-Nilou Lab
Classification: Uncertain significance for Intellectual disability, autosomal dominant 16. Last evaluated: 2021-07-15. Review status: criteria provided, single submitter. Criteria: ACMG Guidelines, 2015. Collection method: clinical testing. Allele origin: germline. Affected: no.

NM_003072.5(SMARCA4):c.4759G>A (p.Glu1587Lys)

Gene: SMARCA4 (SWI/SNF related BAF chromatin remodeling complex subunit ATPase 4; plus strand). Cytogenetic location: 19p13.2.
Variant type: single nucleotide variant.
Coding change: c.4759G>A on transcript NM_003072.5 (MANE Select); coding-DNA position 4759, G replaced by A.
Protein change: p.Glu1587Lys; replaces glutamic acid 1587 with lysine.
Molecular consequence: missense variant. On other transcripts: non-coding transcript variant (1).
Genome position (GRCh38, 1-based): chr19:11,059,876, G>A. VCF-style: chr19-11059876-G-A. GRCh37 (hg19) VCF-style: chr19-11170552-G-A.
Other names: c.4759G>A, p.Glu1587Lys (NM_001128844.3); c.4669G>A, p.Glu1557Lys (NM_001128845.2); c.4666G>A, p.Glu1556Lys (NM_001128846.2); c.4660G>A, p.Glu1554Lys (NM_001128847.4, NM_001374457.1); c.4657G>A, p.Glu1553Lys (NM_001128848.2); c.4855G>A, p.Glu1619Lys (NM_001128849.3, NM_001387283.1); short protein forms E1619K, E1556K, E1554K, E1553K, E1557K, E1587K.
Identifiers: ClinVar variation 565674 (VCV000565674.17), dbSNP rs1568564931, ClinGen allele CA404079867.
Genomic context (GRCh38, chr19:11,059,876, plus strand): 5'-GAGGATGACAGTGAAGGCGAGGAGAGTGAGGAGGAGGAAGAGGGCGAGGAGGAAGGCTCC[G>A]AATCCGAATGTGAGTCCCGGGGGGGTTCAGGACGCCGGGGTTCACGCTGGCCCGAGAGCC-3'
Protein context (NP_003063.2, residues 1577-1597): EEEEGEEEGS[Glu1587Lys]SESRSVKVKI